The following is an entry in ClinVar:

NM_000530.8(MPZ):c.692C>A (p.Ala231Asp)

Gene: MPZ (myelin protein zero; minus strand). Cytogenetic location: 1q23.3.
Variant type: single nucleotide variant.
Coding change: c.692C>A on transcript NM_000530.8 (MANE Select); coding-DNA position 692, C replaced by A.
Protein change: p.Ala231Asp; replaces alanine 231 with aspartic acid.
Molecular consequence: missense variant.
Genome position (GRCh38, 1-based): chr1:161,305,931, G>T on the plus strand (C>A on the coding strand, the complement: MPZ is on the minus strand). VCF-style: chr1-161305931-G-T. GRCh37 (hg19) VCF-style: chr1-161275721-G-T.
Other names: c.692C>A, p.Ala231Asp (NM_001315491.2); short protein forms A231D.
Identifiers: ClinVar variation 1304367 (VCV001304367.2), dbSNP rs2102257225, ClinGen allele CA343344223.

ClinVar aggregate classification (germline): Uncertain significance (1 of 4 stars; one submission).

Submission:

GeneDx
Classification: Uncertain significance. Last evaluated: 2019-10-07. Review status: criteria provided, single submitter. Criteria: GeneDx Variant Classification Process June 2021. Collection method: clinical testing. Allele origin: germline. Affected: yes.
Comment: Not observed in large population cohorts (Lek et al., 2016); The majority of missense variants in this gene are considered pathogenic (Stenson et al., 2014); In silico analysis, which includes protein predictors and evolutionary conservation, supports a deleterious effect; Has not been previously published as pathogenic or benign to our knowledge